The following is an entry in ClinVar:

ClinVar aggregate classification (germline): Pathogenic. Review status: criteria provided, multiple submitters, no conflicts (2 of 4 stars). 3 submissions from 3 submitters: Pathogenic (3). Last evaluated 2026-01-12.

Conditions:
Leber congenital amaurosis 9 (LCA9). Also called: LCA 9; Amaurosis congenita of Leber, type 9; LCA9 Leber Congenital Amaurosis. Identifiers: Orphanet 65, MedGen C1837873, MONDO:0012056, OMIM 608553.
NMNAT1-related disorder. Also called: NMNAT1-related condition.
Cone-rod dystrophy. Also called: Cone/cone-rod dystrophy; Cone-rod degeneration. Identifiers: Orphanet 1872, MedGen C4085590, MONDO:0015993, HP:0000548.

Allele frequency attached by ClinVar (database versions not stated): gnomAD exomes below 0.00001 and 0.00001; ExAC 0.00001; gnomAD 0.00001; TOPMed 0.00002.

Submissions (3):

Labcorp Genetics (formerly Invitae), Labcorp
Classification: Pathogenic for Leber congenital amaurosis 9. Last evaluated: 2026-01-12. Review status: criteria provided, single submitter. Criteria: Invitae Variant Classification Sherloc (09022015). Collection method: clinical testing. Allele origin: germline.
Comment: This sequence change replaces arginine, which is basic and polar, with glutamine, which is neutral and polar, at codon 227 of the NMNAT1 protein (p.Arg227Gln). This variant is present in population databases (rs751644763, gnomAD 0.0009%). This missense change has been observed in individual(s) with clinical features of NMNAT1-related conditions (PMID: 32531858; internal data). In at least one individual the data is consistent with being in trans (on the opposite chromosome) from a pathogenic variant. ClinVar contains an entry for this variant (Variation ID: 813196). Invitae Evidence Modeling of protein sequence and biophysical properties (such as structural, functional, and spatial information, amino acid conservation, physicochemical variation, residue mobility, and thermodynamic stability) indicates that this missense variant is expected to disrupt NMNAT1 protein function with a positive predictive value of 80%. For these reasons, this variant has been classified as Pathogenic.

Blueprint Genetics
Classification: Pathogenic for NMNAT1-related disorders. Last evaluated: 2023-12-05. Review status: criteria provided, single submitter. Criteria: ACMG Guidelines, 2015. Collection method: clinical testing. Allele origin: germline. Affected: yes. Observed: 4 variant alleles.

Molecular Genetics Laboratory, Institute for Ophthalmic Research
Classification: Pathogenic for Cone-rod dystrophy. Last evaluated: 2020-01-09. Review status: criteria provided, single submitter. Criteria: ACMG Guidelines, 2015. Collection method: research. Allele origin: germline. Affected: yes.

Literature cited by the submitters: PubMed 32531858 (cited by Labcorp Genetics (formerly Invitae), Labcorp).

NM_022787.4(NMNAT1):c.680G>A (p.Arg227Gln)

Gene: NMNAT1 (nicotinamide nucleotide adenylyltransferase 1; plus strand). Cytogenetic location: 1p36.22.
Variant type: single nucleotide variant.
Coding change: c.680G>A on transcript NM_022787.4 (MANE Select); coding-DNA position 680, G replaced by A.
Protein change: p.Arg227Gln; replaces arginine 227 with glutamine.
Molecular consequence: missense variant.
Genome position (GRCh38, 1-based): chr1:9,982,541, G>A. VCF-style: chr1-9982541-G-A. GRCh37 (hg19) VCF-style: chr1-10042599-G-A.
Other names: c.680G>A, p.Arg227Gln (NM_001297778.1); short protein forms R227Q.
Identifiers: ClinVar variation 813196 (VCV000813196.11), dbSNP rs751644763, ClinGen allele CA579311.
Genomic context (GRCh38, chr1:9,982,541, plus strand): 5'-GGAGCAACATTCACGTGGTGAATGAATGGATCGCTAATGACATCTCATCCACAAAAATCC[G>A]GAGAGCCCTCAGAAGGGGCCAGAGCATTCGCTACTTGGTACCAGATCTTGTCCAAGAATA-3'
Protein context (NP_073624.2, residues 217-237): IANDISSTKI[Arg227Gln]RALRRGQSIR